The following is an entry in ClinVar:

ClinVar aggregate classification (germline): Uncertain significance (0 of 4 stars; one submission).

Conditions:
MAGEL2-related disorder. Also called: MAGEL2-related condition.

gnomAD v4.1: 13 of 1,613,846 alleles (0.00081%); highest among the groups gnomAD compares: Non-Finnish European, 0.0011%; no homozygotes.

Submission:

PreventionGenetics, part of Exact Sciences
Classification: Uncertain significance for MAGEL2-related condition. Last evaluated: 2024-02-13. Review status: no assertion criteria provided. Collection method: clinical testing. Allele origin: germline.
Comment: The MAGEL2 c.3166G>A variant is predicted to result in the amino acid substitution p.Asp1056Asn. To our knowledge, this variant has not been reported in the literature. This variant is reported in 0.00088% of alleles in individuals of European (Non-Finnish) descent in gnomAD. At this time, the clinical significance of this variant is uncertain due to the absence of conclusive functional and genetic evidence.

NM_019066.5(MAGEL2):c.3166G>A (p.Asp1056Asn)

Gene: MAGEL2 (MAGE family member L2; minus strand). Cytogenetic location: 15q11.2.
Variant type: single nucleotide variant.
Coding change: c.3166G>A on transcript NM_019066.5 (MANE Select); coding-DNA position 3166, G replaced by A.
Protein change: p.Asp1056Asn; replaces aspartic acid 1056 with asparagine.
Molecular consequence: missense variant.
Genome position (GRCh38, 1-based): chr15:23,644,577, C>T on the plus strand (G>A on the coding strand, the complement: MAGEL2 is on the minus strand). VCF-style: chr15-23644577-C-T. GRCh37 (hg19) VCF-style: chr15-23889724-C-T.
Other names: short protein forms D1056N.
Identifiers: ClinVar variation 3357697 (VCV003357697.1).
Genomic context (GRCh38, chr15:23,644,577, plus strand): 5'-GATAACCAAAGGCACACTCCAGCTTATTGTTGGCACGGTTGATGATATCTAAGCACTCAT[C>T]TTTATACTCTCGGAGGATGACTTTCACCATCTCCGAGCGCTGGACAGGCACCTTGGCTTG-3'
Protein context (NP_061939.3, residues 1046-1066): MVKVILREYK[Asp1056Asn]ECLDIINRAN